The following is an entry in ClinVar:

NM_005188.4(CBL):c.1222T>C (p.Trp408Arg)

Gene: CBL (Cbl proto-oncogene; plus strand). Cytogenetic location: 11q23.3.
Variant type: single nucleotide variant.
Coding change: c.1222T>C on transcript NM_005188.4 (MANE Select); coding-DNA position 1222, T replaced by C.
Protein change: p.Trp408Arg; replaces tryptophan 408 with arginine.
Molecular consequence: missense variant.
Genome position (GRCh38, 1-based): chr11:119,278,292, T>C. VCF-style: chr11-119278292-T-C. GRCh37 (hg19) VCF-style: chr11-119149002-T-C.
Other names: c.1222T>C (NM_005188.2, NM_005188.3); short protein forms W408R.
Identifiers: ClinVar variation 1686542 (VCV001686542.31), dbSNP rs755557498, ClinGen allele CA382912908.

ClinVar aggregate classification (germline): Conflicting classifications of pathogenicity. Review status: criteria provided, conflicting classifications (1 of 4 stars). 4 submissions from 4 submitters: Likely pathogenic (3); Uncertain significance (1). Last evaluated 2025-09-29.

Conditions:
CBL-related disorder. Also called: NOONAN SYNDROME-LIKE DISORDER WITHOUT JUVENILE MYELOMONOCYTIC LEUKEMIA; CBL MUTATION-ASSOCIATED SYNDROME; CBL SYNDROME. Identifiers: Orphanet 363972, MedGen C3150803, MONDO:0013308, OMIM 613563.
Cardiovascular phenotype. Identifiers: MedGen CN230736.

Allele frequency attached by ClinVar (database versions not stated): gnomAD exomes below 0.00001; gnomAD 0.00001.
gnomAD v4.1: 2 of 1,614,032 alleles (0.00012%); highest among the groups gnomAD compares: Admixed American, 0.0017%; no homozygotes.

Submissions (4):

Ambry Genetics
Classification: Likely pathogenic for Cardiovascular phenotype. Last evaluated: 2025-09-29. Review status: criteria provided, single submitter. Criteria: Ambry Variant Classification Scheme 2023. Collection method: clinical testing. Allele origin: germline.
Comment: The p.W408R variant (also known as c.1222T>C), located in coding exon 8 of the CBL gene, results from a T to C substitution at nucleotide position 1222. The tryptophan at codon 408 is replaced by arginine, an amino acid with dissimilar properties. This variant was reported in individual(s) with features consistent with CBL-related RASopathy; in at least one individual, it was determined to be de novo (Loh ML et al. Blood, 2009 Aug;114:1859-63; Niemeyer CM et al. Nat Genet, 2010 Sep;42:794-800; Saito Y et al. Leuk Res, 2012 Aug;36:1009-15; Ambry internal data). This amino acid position is highly conserved in available vertebrate species. In addition, this alteration is predicted to be deleterious by in silico analysis. Based on the majority of available evidence to date, this variant is likely to be pathogenic.

PreventionGenetics, part of Exact Sciences
Classification: Likely pathogenic for CBL-related condition. Last evaluated: 2025-07-03. Review status: criteria provided, single submitter. Criteria: ACMG Guidelines, 2015. Collection method: clinical testing. Allele origin: germline.
Comment: The CBL c.1222T>C variant is predicted to result in the amino acid substitution p.Trp408Arg. This variant has been reported in the homozygous state in DNA extracted from mononuclear blood cells in an individual with juvenile myelomonocytic leukaemia (JMML) (Loh et al 2009. PubMed ID: 19571318). This variant is reported in 0.0029% of alleles in individuals of Latino descent in gnomAD. This variant is interpreted as likely pathogenic.

CeGaT Center for Human Genetics Tuebingen
Classification: Likely pathogenic. Last evaluated: 2022-10-01. Review status: criteria provided, single submitter. Criteria: CeGaT Center For Human Genetics Tuebingen Variant Classification Criteria Version 2. Collection method: clinical testing. Allele origin: germline. Affected: yes. Observed: 1 variant allele.
Comment: CBL: PM1, PS2:Moderate, PP3, PS4:Supporting

Mendelics
Classification: Uncertain significance. Last evaluated: 2022-05-04. Review status: criteria provided, single submitter. Criteria: Mendelics Assertion Criteria 2019. Collection method: clinical testing. Allele origin: germline.

Literature cited by the submitters: PubMed 19571318 (cited by Ambry Genetics); PubMed 20694012 (cited by Ambry Genetics); PubMed 22591685 (cited by Ambry Genetics); PubMed 25952305 (cited by Ambry Genetics); PubMed 37711606 (cited by Ambry Genetics).